The following is an entry in ClinVar:

ClinVar aggregate classification (germline): Uncertain significance (1 of 4 stars; one submission).

Conditions:
Weill-Marchesani 4 syndrome, recessive. Also called: Weill-Marchesani syndrome 4. Identifiers: Orphanet 363992, MedGen C2750787, MONDO:0013176, OMIM 613195.

Allele frequency attached by ClinVar (database versions not stated): ExAC below 0.00001; gnomAD exomes 0.00001; gnomAD 0.00005 and 0.00006; TOPMed 0.00005; ESP Exome Variant Server 0.00016.
gnomAD v4.1: 15 of 1,551,628 alleles (0.00097%); highest among the groups gnomAD compares: African/African-American, 0.0096%; no homozygotes.

Submission:

Center for Genomics, Ann and Robert H. Lurie Children's Hospital of Chicago
Classification: Uncertain significance for Weill-Marchesani 4 syndrome, recessive. Last evaluated: 2021-03-30. Review status: criteria provided, single submitter. Criteria: ACMG Guidelines, 2015. Collection method: clinical testing. Allele origin: germline.
Comment: ADAMTS17 NM_139057.3 exon 1 p.Pro24Ser (c.70C>T): This variant has not been reported in the literature but is present in 0.01% (3/17354) of African alleles in the Genome Aggregation Database. Evolutionary conservation and computational predictive tools suggest that this variant may not impact the protein. In summary, data on this variant is insufficient for disease classification. Therefore, the clinical significance of this variant is uncertain.

NM_139057.4(ADAMTS17):c.70C>T (p.Pro24Ser)

Gene: ADAMTS17 (ADAM metallopeptidase with thrombospondin type 1 motif 17; minus strand). Cytogenetic location: 15q26.3.
Variant type: single nucleotide variant.
Coding change: c.70C>T on transcript NM_139057.4 (MANE Select); coding-DNA position 70, C replaced by T.
Protein change: p.Pro24Ser; replaces proline 24 with serine.
Molecular consequence: missense variant.
Genome position (GRCh38, 1-based): chr15:100,341,830, G>A on the plus strand (C>T on the coding strand, the complement: ADAMTS17 is on the minus strand). VCF-style: chr15-100341830-G-A. GRCh37 (hg19) VCF-style: chr15-100882035-G-A.
Other names: short protein forms P24S.
Identifiers: ClinVar variation 992507 (VCV000992507.2), dbSNP rs150132039, ClinGen allele CA7758771.
Genomic context (GRCh38, chr15:100,341,830, plus strand): 5'-GAAGGTAGCCGCAGGACGCGGGGTGAAGAGGGCTGTGGGAGGGGGCGCTACCTGTGCCCG[G>A]GTCCAGTCCCCAAACCAGCAGCAGCAGCACGGGCAGGACGAGCGGAGGCAGCAGGGCGCC-3'
Protein context (NP_620688.2, residues 14-34): VLLLLVWGLD[Pro24Ser]GTAVGDAAAD